The following is an entry in ClinVar:

ClinVar aggregate classification (germline): Uncertain significance (1 of 4 stars; one submission).

Conditions:
Genitopatellar syndrome (GTPTS). Also called: Genitopatellar syndrome (GPS); ABSENT PATELLAE, SCROTAL HYPOPLASIA, RENAL ANOMALIES, FACIAL DYSMORPHISM, AND MENTAL RETARDATION. Identifiers: Orphanet 85201, MedGen C1853566, MONDO:0011640, OMIM 606170.

Allele frequency attached by ClinVar (database versions not stated): 1000 Genomes Project 30x 0.00016; 1000 Genomes Project 0.00020.
gnomAD v4.1: 10 of 1,614,128 alleles (0.00062%); highest among the groups gnomAD compares: African/African-American, 0.0053%; no homozygotes.

Submission:

Labcorp Genetics (formerly Invitae), Labcorp
Classification: Uncertain significance for Genitopatellar syndrome. Last evaluated: 2022-10-08. Review status: criteria provided, single submitter. Criteria: Invitae Variant Classification Sherloc (09022015). Collection method: clinical testing. Allele origin: germline.
Comment: This sequence change replaces glycine, which is neutral and non-polar, with arginine, which is basic and polar, at codon 1255 of the KAT6B protein (p.Gly1255Arg). This variant is present in population databases (rs147574112, gnomAD 0.0009%). This variant has not been reported in the literature in individuals affected with KAT6B-related conditions. Advanced modeling of protein sequence and biophysical properties (such as structural, functional, and spatial information, amino acid conservation, physicochemical variation, residue mobility, and thermodynamic stability) performed at Invitae indicates that this missense variant is not expected to disrupt KAT6B protein function. In summary, the available evidence is currently insufficient to determine the role of this variant in disease. Therefore, it has been classified as a Variant of Uncertain Significance.

NM_012330.4(KAT6B):c.3763G>C (p.Gly1255Arg)

Gene: KAT6B (lysine acetyltransferase 6B; plus strand). Cytogenetic location: 10q22.2.
Variant type: single nucleotide variant.
Coding change: c.3763G>C on transcript NM_012330.4 (MANE Select); coding-DNA position 3763, G replaced by C.
Protein change: p.Gly1255Arg; replaces glycine 1255 with arginine.
Molecular consequence: missense variant.
Genome position (GRCh38, 1-based): chr10:75,028,587, G>C. VCF-style: chr10-75028587-G-C. GRCh37 (hg19) VCF-style: chr10-76788345-G-C.
Other names: c.3214G>C, p.Gly1072Arg (NM_001256468.2, NM_001370138.1); c.2887G>C, p.Gly963Arg (NM_001256469.2, NM_001370139.1, NM_001370140.1 and 2 more transcripts); c.2725G>C, p.Gly909Arg (NM_001370132.1); c.2074G>C, p.Gly692Arg (NM_001370133.1); c.1678G>C, p.Gly560Arg (NM_001370134.1); c.1420G>C, p.Gly474Arg (NM_001370135.1); c.3763G>C, p.Gly1255Arg (NM_001370136.1, NM_001370137.1); c.2698G>C, p.Gly900Arg (NM_001370143.1, NM_001370144.1); short protein forms G1072R, G474R, G560R, G963R, G692R, G900R, G1255R, G909R.
Identifiers: ClinVar variation 2041123 (VCV002041123.4), dbSNP rs147574112, ClinGen allele CA5564901.